The following is an entry in ClinVar:

NM_001371596.2(MFSD8):c.35C>T (p.Pro12Leu)

Gene: MFSD8 (major facilitator superfamily domain containing 8; minus strand). Cytogenetic location: 4q28.2.
Variant type: single nucleotide variant.
Coding change: c.35C>T on transcript NM_001371596.2 (MANE Select); coding-DNA position 35, C replaced by T.
Protein change: p.Pro12Leu; replaces proline 12 with leucine.
Molecular consequence: missense variant. On other transcripts: 5 prime UTR variant (1), intron variant (2).
Genome position (GRCh38, 1-based): chr4:127,965,099, G>A on the plus strand (C>T on the coding strand, the complement: MFSD8 is on the minus strand). VCF-style: chr4-127965099-G-A. GRCh37 (hg19) VCF-style: chr4-128886254-G-A.
Other names: c.35C>T, p.Pro12Leu (NM_001363520.3, NM_001363521.3, NM_001371591.2 and 5 more transcripts); c.-99C>T (NM_001371595.1); c.-74+798C>T (NM_001410765.1, NM_001371590.2); short protein forms P12L.
Identifiers: ClinVar variation 990259 (VCV000990259.8), dbSNP rs749496400, ClinGen allele CA3077609.
Genomic context (GRCh38, chr4:127,965,099, plus strand): 5'-GACTGAGGGGTCCCTCCACCAGGATCCGCTCACCTGCTTCCAGGTGTGTCGCCTAAGAGC[G>A]GCTCCTGTTCACTTTCGTTCCGCAGGCCGGCCATAGTTACACTCCCTACAAGGCGTCTTG-3'
Protein context (NP_001358525.1, residues 2-22): AGLRNESEQE[Pro12Leu]LLGDTPGSRE

ClinVar aggregate classification (germline): Uncertain significance. Review status: criteria provided, single submitter (1 of 4 stars). 2 submissions from 2 submitters: Uncertain significance (1). 1 of the submissions does not count toward it. Last evaluated 2023-08-30.

Conditions:
Late-infantile neuronal ceroid lipofuscinosis. Also called: Jansky-Bielschowsky disease. Identifiers: MedGen C0022340, MONDO:0015674.
Neuronal ceroid lipofuscinosis 7 (CLN7). Also called: MFSD8-Related Neuronal Ceroid-Lipofuscinosis. Identifiers: Orphanet 168491, Orphanet 228366, MedGen C1838571, MONDO:0012588, OMIM 610951.

Allele frequency attached by ClinVar (database versions not stated): TOPMed below 0.00001; gnomAD exomes 0.00001; ExAC 0.00002.
gnomAD v4.1: 6 of 1,613,934 alleles (0.00037%); highest among the groups gnomAD compares: South Asian, 0.0011%; no homozygotes.

Submissions (2):

Labcorp Genetics (formerly Invitae), Labcorp
Classification: Uncertain significance for Neuronal ceroid lipofuscinosis 7. Last evaluated: 2023-08-30. Review status: criteria provided, single submitter. Criteria: Invitae Variant Classification Sherloc (09022015). Collection method: clinical testing. Allele origin: germline.
Comment: In summary, the available evidence is currently insufficient to determine the role of this variant in disease. Therefore, it has been classified as a Variant of Uncertain Significance. An algorithm developed to predict the effect of missense changes on protein structure and function (PolyPhen-2) suggests that this variant is likely to be tolerated. ClinVar contains an entry for this variant (Variation ID: 990259). This variant has not been reported in the literature in individuals affected with MFSD8-related conditions. This variant is present in population databases (rs749496400, gnomAD 0.007%). This sequence change replaces proline, which is neutral and non-polar, with leucine, which is neutral and non-polar, at codon 12 of the MFSD8 protein (p.Pro12Leu).

Natera, Inc.
Classification: Uncertain significance for Late-infantile neuronal ceroid lipofuscinosis. Last evaluated: 2020-08-14. Review status: no assertion criteria provided. Collection method: clinical testing. Allele origin: germline. Not counted in ClinVar's aggregate classification.